The following is an entry in ClinVar:

ClinVar aggregate classification (germline): Uncertain significance. Review status: criteria provided, multiple submitters, no conflicts (2 of 4 stars). 2 submissions from 2 submitters: Uncertain significance (2). Last evaluated 2025-12-22.

Allele frequency attached by ClinVar (database versions not stated): gnomAD 0.00005 and 0.00004; gnomAD exomes 0.00007 and 0.00003; 1000 Genomes Project 30x 0.00031; TOPMed 0.00004; ExAC 0.00005.
gnomAD v4.1: 98 of 1,576,020 alleles (0.0062%); highest among the groups gnomAD compares: Middle Eastern, 0.017%; no homozygotes.

Submissions (2):

Labcorp Genetics (formerly Invitae), Labcorp
Classification: Uncertain significance. Last evaluated: 2025-12-22. Review status: criteria provided, single submitter. Criteria: Invitae Variant Classification Sherloc (09022015). Collection method: clinical testing. Allele origin: germline.
Comment: This sequence change replaces threonine, which is neutral and polar, with methionine, which is neutral and non-polar, at codon 457 of the FSCN2 protein (p.Thr457Met). The frequency data for this variant in the population databases is considered unreliable, as metrics indicate poor data quality at this position in the gnomAD database. This variant has not been reported in the literature in individuals affected with FSCN2-related conditions. ClinVar contains an entry for this variant (Variation ID: 858771). An algorithm developed to predict the effect of missense changes on protein structure and function (PolyPhen-2) suggests that this variant is likely to be tolerated. In summary, the available evidence is currently insufficient to determine the role of this variant in disease. Therefore, it has been classified as a Variant of Uncertain Significance.

Ambry Genetics
Classification: Uncertain significance. Last evaluated: 2022-04-07. Review status: criteria provided, single submitter. Criteria: Ambry Variant Classification Scheme 2023. Collection method: clinical testing. Allele origin: germline.

NM_012418.4(FSCN2):c.1298C>T (p.Thr433Met)

Gene: FSCN2 (fascin actin-bundling protein 2, retinal; plus strand). Cytogenetic location: 17q25.3.
Variant type: single nucleotide variant.
Coding change: c.1298C>T on transcript NM_012418.4 (MANE Select); coding-DNA position 1298, C replaced by T.
Protein change: p.Thr433Met; replaces threonine 433 with methionine.
Molecular consequence: missense variant.
Genome position (GRCh38, 1-based): chr17:81,536,899, C>T. VCF-style: chr17-81536899-C-T. GRCh37 (hg19) VCF-style: chr17-79503925-C-T.
Other names: c.1370C>T, p.Thr457Met (NM_001077182.3); short protein forms T433M, T457M.
Identifiers: ClinVar variation 858771 (VCV000858771.9), dbSNP rs186619653, ClinGen allele CA8837103.